The following is an entry in ClinVar:

NM_006231.4(POLE):c.472C>T (p.His158Tyr)

Gene: POLE (DNA polymerase epsilon, catalytic subunit; minus strand). Cytogenetic location: 12q24.33.
Variant type: single nucleotide variant.
Coding change: c.472C>T on transcript NM_006231.4 (MANE Select); coding-DNA position 472, C replaced by T.
Protein change: p.His158Tyr; replaces histidine 158 with tyrosine.
Molecular consequence: missense variant.
Genome position (GRCh38, 1-based): chr12:132,679,603, G>A on the plus strand (C>T on the coding strand, the complement: POLE is on the minus strand). VCF-style: chr12-132679603-G-A. GRCh37 (hg19) VCF-style: chr12-133256189-G-A.
Other names: c.472C>T (NM_006231.2); short protein forms H158Y.
Identifiers: ClinVar variation 2963492 (VCV002963492.4), dbSNP rs2542188656, ClinGen allele CA387367341.

ClinVar aggregate classification (germline): Uncertain significance. Review status: criteria provided, multiple submitters, no conflicts (2 of 4 stars). 2 submissions from 2 submitters: Uncertain significance (2). Last evaluated 2025-11-10.

Conditions:
Hereditary cancer-predisposing syndrome. Also called: Tumor predisposition; Hereditary neoplastic syndrome; Hereditary Cancer Syndrome; Neoplastic Syndromes, Hereditary. Identifiers: Orphanet 140162, MedGen C0027672, MeSH D009386, MONDO:0015356.

Submissions (2):

Labcorp Genetics (formerly Invitae), Labcorp
Classification: Uncertain significance. Last evaluated: 2025-11-10. Review status: criteria provided, single submitter. Criteria: Invitae Variant Classification Sherloc (09022015). Collection method: clinical testing. Allele origin: germline.
Comment: This sequence change replaces histidine, which is basic and polar, with tyrosine, which is neutral and polar, at codon 158 of the POLE protein (p.His158Tyr). This variant is not present in population databases (gnomAD no frequency). This variant has not been reported in the literature in individuals affected with POLE-related conditions. ClinVar contains an entry for this variant (Variation ID: 2963492). Invitae Evidence Modeling of protein sequence and biophysical properties (such as structural, functional, and spatial information, amino acid conservation, physicochemical variation, residue mobility, and thermodynamic stability) indicates that this missense variant is not expected to disrupt POLE protein function with a negative predictive value of 80%. In summary, the available evidence is currently insufficient to determine the role of this variant in disease. Therefore, it has been classified as a Variant of Uncertain Significance.

Ambry Genetics
Classification: Uncertain significance for Hereditary cancer-predisposing syndrome. Last evaluated: 2024-05-07. Review status: criteria provided, single submitter. Criteria: Ambry Variant Classification Scheme 2023. Collection method: clinical testing. Allele origin: germline.
Comment: The p.H158Y variant (also known as c.472C>T), located in coding exon 6 of the POLE gene, results from a C to T substitution at nucleotide position 472. The histidine at codon 158 is replaced by tyrosine, an amino acid with similar properties. This amino acid position is conserved. In addition, this alteration is predicted to be tolerated by in silico analysis. Based on the available evidence, the clinical significance of this variant remains unclear.